The following is an entry in ClinVar:

ClinVar aggregate classification (germline): Likely benign. Review status: criteria provided, multiple submitters, no conflicts (2 of 4 stars). 5 submissions from 5 submitters: Likely benign (5). Last evaluated 2026-05-11.

Conditions:
Neurofibromatosis, type 1 (NF1). Also called: VON RECKLINGHAUSEN DISEASE; Peripheral type neurofibromatosis; NEUROFIBROMATOSIS, TYPE I, SOMATIC; Neurofibromatosis, type I. Identifiers: Orphanet 636, MedGen C0027831, MONDO:0018975, OMIM 162200. Disease mechanism: loss of function.

Allele frequency attached by ClinVar (database versions not stated): gnomAD exomes below 0.00001; gnomAD 0.00001.
gnomAD v4.1: 3 of 1,613,348 alleles (0.00019%); highest among the groups gnomAD compares: Non-Finnish European, 0.00025%; no homozygotes.

Submissions (5):

Myriad Genetics, Inc.
Classification: Likely benign for Neurofibromatosis, type 1. Last evaluated: 2026-05-11. Review status: criteria provided, single submitter. Criteria: Myriad Autosomal Dominant, Autosomal Recessive and X-Linked Classification Criteria (2023). Collection method: clinical testing. Allele origin: unknown.
Comment: This variant is considered likely benign. This variant is intronic and is not expected to impact mRNA splicing.

Labcorp Genetics (formerly Invitae), Labcorp
Classification: Likely benign for Neurofibromatosis, type 1. Last evaluated: 2026-01-28. Review status: criteria provided, single submitter. Criteria: Invitae Variant Classification Sherloc (09022015). Collection method: clinical testing. Allele origin: germline.

Blueprint Genetics
Classification: Likely benign. Last evaluated: 2022-09-02. Review status: criteria provided, single submitter. Criteria: ACMG Guidelines, 2015. Collection method: clinical testing. Allele origin: germline.

Genome-Nilou Lab
Classification: Likely benign for Neurofibromatosis, type 1. Last evaluated: 2022-03-15. Review status: criteria provided, single submitter. Criteria: ACMG Guidelines, 2015. Collection method: clinical testing. Allele origin: germline. Affected: no.

GeneDx
Classification: Likely benign. Last evaluated: 2018-05-21. Review status: criteria provided, single submitter. Criteria: GeneDx Variant Classification (06012015). Collection method: clinical testing. Allele origin: germline. Affected: yes.
Comment: This variant is considered likely benign or benign based on one or more of the following criteria: it is a conservative change, it occurs at a poorly conserved position in the protein, it is predicted to be benign by multiple in silico algorithms, and/or has population frequency not consistent with disease.

NM_001042492.3(NF1):c.289-12T>C

Gene: NF1 (neurofibromin 1; plus strand). Cytogenetic location: 17q11.2.
Variant type: single nucleotide variant.
Coding change: c.289-12T>C on transcript NM_001042492.3 (MANE Select); 12 bases into the intron before coding-DNA position 289, T replaced by C.
Molecular consequence: intron variant.
Genome position (GRCh38, 1-based): chr17:31,163,174, T>C. VCF-style: chr17-31163174-T-C. GRCh37 (hg19) VCF-style: chr17-29490192-T-C.
Other names: c.289-12T>C (NM_000267.4, NM_001128147.3).
Identifiers: ClinVar variation 561851 (VCV000561851.10), dbSNP rs1486449114, ClinGen allele CA625463843.